The following is an entry in ClinVar:

ClinVar aggregate classification (germline): Uncertain significance. Review status: criteria provided, multiple submitters, no conflicts (2 of 4 stars). 2 submissions from 2 submitters: Uncertain significance (2). Last evaluated 2024-04-20.

Conditions:
Hereditary cancer-predisposing syndrome. Also called: Hereditary neoplastic syndrome; Neoplastic Syndromes, Hereditary; Tumor predisposition; Hereditary Cancer Syndrome. Identifiers: Orphanet 140162, MedGen C0027672, MeSH D009386, MONDO:0015356.
Gorlin syndrome. Also called: Nevoid Basal Cell Carcinoma Syndrome; Basal cell nevus syndrome. Identifiers: Orphanet 377, MedGen C0004779, MONDO:0007187.

Allele frequency attached by ClinVar (database versions not stated): gnomAD exomes below 0.00001.
gnomAD v4.1: 2 of 1,614,046 alleles (0.00012%); highest among the groups gnomAD compares: Non-Finnish European, 0.000085%; no homozygotes.

Submissions (2):

Ambry Genetics
Classification: Uncertain significance for Hereditary cancer-predisposing syndrome. Last evaluated: 2024-04-20. Review status: criteria provided, single submitter. Criteria: Ambry Variant Classification Scheme 2023. Collection method: clinical testing. Allele origin: germline.
Comment: The p.A1154T variant (also known as c.3460G>A), located in coding exon 21 of the PTCH1 gene, results from a G to A substitution at nucleotide position 3460. The alanine at codon 1154 is replaced by threonine, an amino acid with similar properties. This amino acid position is conserved. In addition, this alteration is predicted to be deleterious by in silico analysis. Based on the available evidence, the clinical significance of this variant remains unclear.

Labcorp Genetics (formerly Invitae), Labcorp
Classification: Uncertain significance for Gorlin syndrome. Last evaluated: 2016-10-25. Review status: criteria provided, single submitter. Criteria: Invitae Variant Classification Sherloc (09022015). Collection method: clinical testing. Allele origin: germline.
Comment: This sequence change replaces alanine with threonine at codon 1154 of the PTCH1 protein (p.Ala1154Thr). The alanine residue is moderately conserved and there is a small physicochemical difference between alanine and threonine. This variant is not present in population databases (ExAC no frequency) and has not been reported in the literature in individuals with a PTCH1-related disease. Algorithms developed to predict the effect of missense changes on protein structure and function (SIFT, PolyPhen-2, Align-GVGD) all suggest that this variant is likely to be tolerated, but these predictions have not been confirmed by published functional studies. In summary, this variant is a novel missense change that is not predicted to affect protein function. There is no indication that it causes disease, but the available evidence is currently insufficient to prove that conclusively. Therefore, it has been classified as a Variant of Uncertain Significance.

NM_000264.5(PTCH1):c.3460G>A (p.Ala1154Thr)

Gene: PTCH1 (patched 1; minus strand). Cytogenetic location: 9q22.32.
Variant type: single nucleotide variant.
Coding change: c.3460G>A on transcript NM_000264.5 (MANE Select); coding-DNA position 3460, G replaced by A.
Protein change: p.Ala1154Thr; replaces alanine 1154 with threonine.
Molecular consequence: missense variant. On other transcripts: non-coding transcript variant (1).
Genome position (GRCh38, 1-based): chr9:95,449,930, C>T on the plus strand (G>A on the coding strand, the complement: PTCH1 is on the minus strand). VCF-style: chr9-95449930-C-T. GRCh37 (hg19) VCF-style: chr9-98212212-C-T.
Other names: c.3262G>A, p.Ala1088Thr (NM_001083602.3); c.3457G>A, p.Ala1153Thr (NM_001083603.3); c.3007G>A, p.Ala1003Thr (NM_001083604.3, NM_001083605.3, NM_001083606.3 and 1 more transcripts); c.3304G>A, p.Ala1102Thr (NM_001354918.2); short protein forms A1088T, A1154T, A1003T, A1153T, A1102T.
Identifiers: ClinVar variation 409135 (VCV000409135.10), dbSNP rs878853857, ClinGen allele CA16612760.